The following is an entry in ClinVar:

ClinVar aggregate classification (germline): Uncertain significance (1 of 4 stars; one submission).

Conditions:
SLC27A5-related disorder. Also called: SLC27A5-related condition.

Allele frequency attached by ClinVar (database versions not stated): gnomAD exomes 0.00001; ExAC 0.00004.
gnomAD v4.1: 23 of 1,614,104 alleles (0.0014%); highest among the groups gnomAD compares: Middle Eastern, 0.082%; no homozygotes.

Submission:

PreventionGenetics, part of Exact Sciences
Classification: Uncertain significance for SLC27A5-related condition. Last evaluated: 2026-07-01. Review status: criteria provided, single submitter. Criteria: ACMG Guidelines, 2015. Collection method: clinical testing. Allele origin: germline.
Comment: The SLC27A5 c.1297G>A variant is predicted to result in the amino acid substitution p.Gly433Ser. To our knowledge, this variant has not been reported in the literature. This variant is reported in 0.0058% of alleles in individuals of Latino descent in gnomAD. At this time, the clinical significance of this variant is uncertain due to the absence of conclusive functional and genetic evidence.

NM_012254.3(SLC27A5):c.1297G>A (p.Gly433Ser)

Gene: SLC27A5 (solute carrier family 27 member 5; minus strand). Cytogenetic location: 19q13.43.
Variant type: single nucleotide variant.
Coding change: c.1297G>A on transcript NM_012254.3 (MANE Select); coding-DNA position 1297, G replaced by A.
Protein change: p.Gly433Ser; replaces glycine 433 with serine.
Molecular consequence: missense variant.
Genome position (GRCh38, 1-based): chr19:58,500,592, C>T on the plus strand (G>A on the coding strand, the complement: SLC27A5 is on the minus strand). VCF-style: chr19-58500592-C-T. GRCh37 (hg19) VCF-style: chr19-59011959-C-T.
Other names: c.1045G>A, p.Gly349Ser (NM_001321196.2); short protein forms G349S, G433S.
Identifiers: ClinVar variation 2628981 (VCV002628981.2), dbSNP rs773882107, ClinGen allele CA9718032.